The following is an entry in ClinVar:

NM_017534.6(MYH2):c.4087C>G (p.Leu1363Val)

Genes: MYH2 (myosin heavy chain 2; minus strand), MYHAS (myosin heavy chain gene cluster antisense RNA; plus strand). Cytogenetic location: 17p13.1.
Variant type: single nucleotide variant.
Coding change: c.4087C>G on transcript NM_017534.6 (MANE Select); coding-DNA position 4087, C replaced by G.
Protein change: p.Leu1363Val; replaces leucine 1363 with valine.
Molecular consequence: missense variant.
Genome position (GRCh38, 1-based): chr17:10,526,699, G>C on the plus strand (C>G on the coding strand, the complement: MYH2 is on the minus strand). VCF-style: chr17-10526699-G-C. GRCh37 (hg19) VCF-style: chr17-10430016-G-C.
Other names: c.4087C>G, p.Leu1363Val (NM_001100112.2); short protein forms L1363V.
Identifiers: ClinVar variation 3781195 (VCV003781195.2).

ClinVar aggregate classification (germline): Uncertain significance (1 of 4 stars; one submission).

gnomAD v4.1: 1 of 1,614,150 alleles (0.000062%); highest among the groups gnomAD compares: Non-Finnish European, 0.000085%; no homozygotes.

Submission:

GeneDx
Classification: Uncertain significance. Last evaluated: 2025-07-22. Review status: criteria provided, single submitter. Criteria: GeneDx Variant Classification Process June 2021. Collection method: clinical testing. Allele origin: germline. Affected: yes.
Comment: Not observed at significant frequency in large population cohorts (gnomAD); In silico analysis suggests that this missense variant does not alter protein structure/function; Has not been previously published as pathogenic or benign to our knowledge